The following is an entry in ClinVar:

ClinVar aggregate classification (germline): Pathogenic (1 of 4 stars; one submission).

Conditions:
Deficiency of acetyl-CoA acetyltransferase. Also called: MITOCHONDRIAL ACETOACETYL-CoA THIOLASE DEFICIENCY; 3-KETOTHIOLASE DEFICIENCY; 3-OXOTHIOLASE DEFICIENCY; Beta-ketothiolase deficiency. Identifiers: Orphanet 134, MedGen C1536500, MONDO:0008760, OMIM 203750. Disease mechanism: loss of function.

Submission:

Labcorp Genetics (formerly Invitae), Labcorp
Classification: Pathogenic for Deficiency of acetyl-CoA acetyltransferase. Last evaluated: 2024-03-03. Review status: criteria provided, single submitter. Criteria: Invitae Variant Classification Sherloc (09022015). Collection method: clinical testing. Allele origin: germline.
Comment: This sequence change creates a premature translational stop signal (p.Pro329Leufs*3) in the ACAT1 gene. It is expected to result in an absent or disrupted protein product. Loss-of-function variants in ACAT1 are known to be pathogenic (PMID: 7749408). This variant is not present in population databases (gnomAD no frequency). This variant has not been reported in the literature in individuals affected with ACAT1-related conditions. For these reasons, this variant has been classified as Pathogenic.

Literature cited by the submitters: PubMed 7749408.

NM_000019.4(ACAT1):c.952_983dup (p.Ala328_Pro329insLeuLeuTer)

Gene: ACAT1 (acetyl-CoA acetyltransferase 1; plus strand). Cytogenetic location: 11q22.3.
Variant type: Duplication.
Coding change: c.952_983dup on transcript NM_000019.4 (MANE Select); coding-DNA positions 952 to 983, 32 bases duplicated.
Protein change: p.Ala328_Pro329insLeuLeuTer.
Molecular consequence: nonsense. On other transcripts: non-coding transcript variant (1).
Genome position (GRCh38, 1-based): chr11:108,143,994-108,144,025, 32 bases duplicated; duplicating any 32 consecutive bases within chr11:108,143,993-108,144,025 gives the same sequence; the c. name uses the placement nearest the transcript's 3' end. GRCh37 (hg19): chr11:108,014,721-108,014,752.
Other names: c.682_713dup, p.Ala238_Pro239insLeuLeuTer (NM_001386691.1, NM_001386681.1, NM_001386682.1 and 6 more transcripts); c.952_983dup, p.Ala328_Pro329insLeuLeuTer (NM_001386677.1); c.637_668dup, p.Ala223_Pro224insLeuLeuTer (NM_001386678.1); c.655_686dup, p.Ala229_Pro230insLeuLeuTer (NM_001386679.1).
Identifiers: ClinVar variation 3644317 (VCV003644317.2).